The following is an entry in ClinVar:

ClinVar aggregate classification (germline): Uncertain significance (1 of 4 stars; one submission).

Conditions:
Intellectual developmental disorder, autosomal dominant 68 (MRD68). Also called: MENTAL RETARDATION, AUTOSOMAL DOMINANT 68. Identifiers: MedGen C5677008, MONDO:0030969, OMIM 619934.

Submission:

OLLIN Analises Genomicas, OLLIN
Classification: Uncertain significance for Intellectual developmental disorder, autosomal dominant 68. Last evaluated: 2026-08-06. Review status: criteria provided, single submitter. Criteria: ACMG Guidelines 2015 PMID 25741868. Collection method: clinical testing. Allele origin: germline. Inheritance: Autosomal dominant inheritance.
Comment: This missense variant, located in exon 28 (of 37), is absent from gnomAD and ClinVar and has not been identified in the literature. In silico analysis is inconclusive regarding the impact of this variant. According to the currently available evidence, this variant has been classified as uncertain significance (PM2_P).

NM_014727.3(KMT2B):c.6746T>A (p.Val2249Asp)

Gene: KMT2B (lysine methyltransferase 2B; plus strand). Cytogenetic location: 19q13.12.
Variant type: single nucleotide variant.
Coding change: c.6746T>A on transcript NM_014727.3 (MANE Select); coding-DNA position 6746, T replaced by A.
Protein change: p.Val2249Asp; replaces valine 2249 with aspartic acid.
Molecular consequence: missense variant.
Genome position (GRCh38, 1-based): chr19:35,733,295, T>A. VCF-style: chr19-35733295-T-A. GRCh37 (hg19) VCF-style: chr19-36224196-T-A.
Other names: short protein forms V2249D.
Identifiers: ClinVar variation 5003111 (VCV005003111.1).